The following is an entry in ClinVar:

NM_006206.6(PDGFRA):c.2893del (p.Ile965fs)

Gene: PDGFRA (platelet derived growth factor receptor alpha; plus strand). Cytogenetic location: 4q12.
Variant type: Deletion.
Coding change: c.2893del on transcript NM_006206.6 (MANE Select); coding-DNA position 2893, one base deleted (A; older notation c.2893delA).
Protein change: p.Ile965fs; shifts the reading frame from isoleucine 965.
Molecular consequence: frameshift variant.
Genome position (GRCh38, 1-based): chr4:54,290,325, A deleted; the last of 6 consecutive A bases (chr4:54,290,320-54,290,325); deleting any one gives the same sequence. VCF-style (leftmost placement, unchanged base first): chr4-54290319-GA-G. GRCh37 (hg19) VCF-style: chr4-55156486-GA-G.
Other names: c.2968del, p.Ile990fs (NM_001347828.2); c.2893del, p.Ile965fs (NM_001347829.2); c.2932del, p.Ile978fs (NM_001347830.2); short protein forms I978fs, I965fs, I990fs.
Identifiers: ClinVar variation 459072 (VCV000459072.7), dbSNP rs1553906613, ClinGen allele CA658655846.

ClinVar aggregate classification (germline): Uncertain significance (1 of 4 stars; one submission).

Conditions:
Gastrointestinal stromal tumor. Also called: Gastrointestinal stroma tumor; Gastrointestinal stromal tumor, somatic. Identifiers: Orphanet 44890, MedGen C0238198, MeSH D046152, MONDO:0011719, OMIM 606764, HP:0100723.

Submission:

Labcorp Genetics (formerly Invitae), Labcorp
Classification: Uncertain significance for Gastrointestinal stromal tumor. Last evaluated: 2017-04-24. Review status: criteria provided, single submitter. Criteria: Invitae Variant Classification Sherloc (09022015). Collection method: clinical testing. Allele origin: germline.
Comment: The current clinical and genetic evidence is not sufficient to establish whether loss-of-function variants in PDGFRA cause disease. Therefore, this variant has been classified as a Variant of Uncertain Significance. This variant is not present in population databases (ExAC no frequency) and has not been reported in the literature in individuals with a PDGFRA-related disease. This sequence change deletes 1 nucleotide from exon 22 of the PDGFRA mRNA (c.2893delA), causing a frameshift at codon 965. This creates a premature translational stop signal (p.Ile965Phefs*6) and is expected to result in an absent or disrupted protein product.